The following is an entry in ClinVar:

NM_033380.3(COL4A5):c.1871G>T (p.Gly624Val)

Gene: COL4A5 (collagen type IV alpha 5 chain; plus strand). Cytogenetic location: Xq22.3.
Variant type: single nucleotide variant.
Coding change: c.1871G>T on transcript NM_033380.3 (MANE Select); coding-DNA position 1871, G replaced by T.
Protein change: p.Gly624Val; replaces glycine 624 with valine.
Molecular consequence: missense variant.
Genome position (GRCh38, 1-based): chrX:108,598,793, G>T. VCF-style: chrX-108598793-G-T. GRCh37 (hg19) VCF-style: chrX-107842023-G-T.
Other names: c.1871G>T, p.Gly624Val (NM_000495.5); short protein forms G624V.
Identifiers: ClinVar variation 1077043 (VCV001077043.11), dbSNP rs104886142, ClinGen allele CA413845781.
Genomic context (GRCh38, chrX:108,598,793, plus strand): 5'-CCCCTGGGAACCCAGGTTTACCAGGCCTCCCAGGGAATATAGGGCCTATGGGTCCCCCTG[G>T]TTTCGGCCCTCCAGGCCCAGTAGGTGAAAAAGGCATACAAGGTGTGGCAGGAAATCCAGG-3'
Protein context (NP_203699.1, residues 614-634): PGNIGPMGPP[Gly624Val]FGPPGPVGEK

ClinVar aggregate classification (germline): Pathogenic/Likely pathogenic. Review status: criteria provided, multiple submitters, no conflicts (2 of 4 stars). 4 submissions from 4 submitters: Pathogenic (1); Likely pathogenic (3). Last evaluated 2025-06-12.

Conditions:
X-linked Alport syndrome (ATS1). Also called: NEPHROPATHY AND DEAFNESS, X-LINKED; COL4A5-Related Nephropathy. Identifiers: Orphanet 63, Orphanet 88917, MedGen C4746986, MONDO:0010520, OMIM 301050.

Submissions (4):

Labcorp Genetics (formerly Invitae), Labcorp
Classification: Likely pathogenic. Last evaluated: 2025-06-12. Review status: criteria provided, single submitter. Criteria: Invitae Variant Classification Sherloc (09022015). Collection method: clinical testing. Allele origin: germline.
Comment: This sequence change replaces glycine, which is neutral and non-polar, with valine, which is neutral and non-polar, at codon 624 of the COL4A5 protein (p.Gly624Val). This variant is not present in population databases (gnomAD no frequency). This variant has not been reported in the literature in individuals affected with COL4A5-related conditions. ClinVar contains an entry for this variant (Variation ID: 1077043). Invitae Evidence Modeling of protein sequence and biophysical properties (such as structural, functional, and spatial information, amino acid conservation, physicochemical variation, residue mobility, and thermodynamic stability) indicates that this missense variant is expected to disrupt COL4A5 protein function with a positive predictive value of 95%. Algorithms developed to predict the effect of sequence changes on RNA splicing suggest that this variant may create or strengthen a splice site. This variant disrupts the p.Gly624 amino acid residue in COL4A5. Other variant(s) that disrupt this residue have been determined to be pathogenic (PMID: 17396119, 21332469, 24470729, 26809805, 26934356, 29854973). This suggests that this residue is clinically significant, and that variants that disrupt this residue are likely to be disease-causing. In summary, the currently available evidence indicates that the variant is pathogenic, but additional data are needed to prove that conclusively. Therefore, this variant has been classified as Likely Pathogenic.

Clinical Genetics Laboratory, Skane University Hospital Lund
Classification: Likely pathogenic. Last evaluated: 2023-04-24. Review status: criteria provided, single submitter. Criteria: ACMG Guidelines, 2015. Collection method: clinical testing. Allele origin: germline. Affected: yes.

Clinical Genetics Service, Universitary Hospital 12 de Octubre
Classification: Likely pathogenic for X-linked Alport syndrome. Review status: criteria provided, single submitter. Criteria: ACMG Guidelines, 2015. Collection method: clinical testing. Allele origin: germline. Affected: yes.

Precision Medicine Center, Zhengzhou University
Classification: Pathogenic for X-linked Alport syndrome. Review status: criteria provided, single submitter. Criteria: ACMG Guidelines, 2015. Collection method: research. Allele origin: germline. Affected: yes.
Comment: PM1:Located in a mutational hot spot PM2:not found in gnomAD PM5: Novel missense change at an amino acid residue where a different missense change determined to be pathogenic has been seen before PP2:Missense variant in a gene that has a low rate of benign missense variation and in which missense variants are a common mechanism of disease PP3:Multiple lines of computational evidence support a deleterious effect on the gene or gene product

Literature cited by the submitters: PubMed 17396119 (cited by Labcorp Genetics (formerly Invitae), Labcorp); PubMed 21332469 (cited by Labcorp Genetics (formerly Invitae), Labcorp); PubMed 24470729 (cited by Labcorp Genetics (formerly Invitae), Labcorp); PubMed 26809805 (cited by Labcorp Genetics (formerly Invitae), Labcorp); PubMed 26934356 (cited by Labcorp Genetics (formerly Invitae), Labcorp); PubMed 29854973 (cited by Labcorp Genetics (formerly Invitae), Labcorp).